The following is an entry in ClinVar:

ClinVar aggregate classification (germline): Uncertain significance. Review status: criteria provided, multiple submitters, no conflicts (2 of 4 stars). 2 submissions from 2 submitters: Uncertain significance (2). Last evaluated 2024-10-10.

Conditions:
Surfactant metabolism dysfunction, pulmonary, 4 (SMDP4). Also called: CSF2RA DEFICIENCY; PAP DUE TO CSF2RA DEFICIENCY; PULMONARY ALVEOLAR PROTEINOSIS, CONGENITAL, 4. Identifiers: Orphanet 264675, MedGen C2677877, MONDO:0010424, OMIM 300770.

Allele frequency attached by ClinVar (database versions not stated): gnomAD exomes 0.00008 and 0.00013; ExAC 0.00009; TOPMed 0.00009; gnomAD 0.00013 and 0.00014; ESP Exome Variant Server 0.00015.
gnomAD v4.1: 142 of 1,612,390 alleles (0.0088%); highest among the groups gnomAD compares: Non-Finnish European, 0.0086%; no homozygotes.

Submissions (2):

Blueprint Genetics
Classification: Uncertain significance. Last evaluated: 2024-10-10. Review status: criteria provided, single submitter. Criteria: ACMG Guidelines, 2015. Collection method: clinical testing. Allele origin: germline.

Labcorp Genetics (formerly Invitae), Labcorp
Classification: Uncertain significance for Surfactant metabolism dysfunction, pulmonary, 4. Last evaluated: 2022-10-25. Review status: criteria provided, single submitter. Criteria: Invitae Variant Classification Sherloc (09022015). Collection method: clinical testing. Allele origin: germline.
Comment: This sequence change replaces leucine, which is neutral and non-polar, with proline, which is neutral and non-polar, at codon 345 of the CSF2RA protein (p.Leu345Pro). This variant is present in population databases (no rsID available, gnomAD 0.05%). This variant has not been reported in the literature in individuals affected with CSF2RA-related conditions. ClinVar contains an entry for this variant (Variation ID: 661944). Advanced modeling of protein sequence and biophysical properties (such as structural, functional, and spatial information, amino acid conservation, physicochemical variation, residue mobility, and thermodynamic stability) performed at Invitae indicates that this missense variant is expected to disrupt CSF2RA protein function. In summary, the available evidence is currently insufficient to determine the role of this variant in disease. Therefore, it has been classified as a Variant of Uncertain Significance.

NM_172245.4(CSF2RA):c.1034T>C (p.Leu345Pro)

Gene: CSF2RA (colony stimulating factor 2 receptor subunit alpha; plus strand). Cytogenetic location: Xp22.33.
Variant type: single nucleotide variant.
Coding change: c.1034T>C on transcript NM_172245.4 (MANE Select); coding-DNA position 1034, T replaced by C.
Protein change: p.Leu345Pro; replaces leucine 345 with proline.
Molecular consequence: missense variant. On other transcripts: non-coding transcript variant (1), intron variant (7).
Genome position (GRCh38, 1-based): chrX:1,304,010, T>C. VCF-style: chrX-1304010-T-C. GRCh37 (hg19) VCF-style: chrX-1422903-T-C.
Other names: c.1034T>C, p.Leu345Pro (NM_001161529.2, NM_001161531.2, NM_001379155.1 and 9 more transcripts); c.1136T>C, p.Leu379Pro (NM_001161530.2, NM_001379153.1, NM_001379154.1); c.635T>C, p.Leu212Pro (NM_001161532.2); c.1004T>C, p.Leu335Pro (NM_001379160.1); c.947-1436T>C (NM_001379167.1, NM_001379169.1, NM_172247.3 and 1 more transcripts); c.946+3384T>C (NM_172246.4); c.647-1436T>C (NM_172249.4); c.855-1436T>C (NM_001379166.1); short protein forms L212P, L345P, L379P, L335P.
Identifiers: ClinVar variation 661944 (VCV000661944.7), dbSNP rs138753301, ClinGen allele CA10331146.
Genomic context (GRCh38, chrX:1,304,010, plus strand): 5'-TGTACATTTATGTGCTCCTAATCGTGGGAACCCTTGTCTGTGGCATCGTCCTCGGCTTCC[T>C]CTTTAAAAGGTAACCTGTGAAACACCTGGGCCTCCCCAATGAAAACAGGCCAGGCCGGGA-3'
Protein context (NP_758448.1, residues 335-355): TLVCGIVLGF[Leu345Pro]FKRFLRIQRL